The following is an entry in ClinVar:

ClinVar aggregate classification (germline): Uncertain significance. Review status: criteria provided, multiple submitters, no conflicts (2 of 4 stars). 2 submissions from 2 submitters: Uncertain significance (2). Last evaluated 2022-09-22.

Allele frequency attached by ClinVar (database versions not stated): TOPMed below 0.00001; gnomAD 0.00001; gnomAD exomes 0.00001.
gnomAD v4.1: 5 of 1,551,148 alleles (0.00032%); highest among the groups gnomAD compares: Admixed American, 0.0098%; no homozygotes.

Submissions (2):

Blueprint Genetics
Classification: Uncertain significance. Last evaluated: 2022-09-22. Review status: criteria provided, single submitter. Criteria: ACMG Guidelines, 2015. Collection method: clinical testing. Allele origin: germline.

Labcorp Genetics (formerly Invitae), Labcorp
Classification: Uncertain significance. Last evaluated: 2021-04-28. Review status: criteria provided, single submitter. Criteria: Invitae Variant Classification Sherloc (09022015). Collection method: clinical testing. Allele origin: germline.
Comment: In summary, the available evidence is currently insufficient to determine the role of this variant in disease. Therefore, it has been classified as a Variant of Uncertain Significance. Algorithms developed to predict the effect of missense changes on protein structure and function are either unavailable or do not agree on the potential impact of this missense change (SIFT: "Deleterious"; PolyPhen-2: "Probably Damaging"; Align-GVGD: "Class C0"). This variant has not been reported in the literature in individuals with CPLANE1-related conditions. This variant is not present in population databases (ExAC no frequency). This sequence change replaces isoleucine with methionine at codon 582 of the CPLANE1 protein (p.Ile582Met). The isoleucine residue is weakly conserved and there is a small physicochemical difference between isoleucine and methionine.

NM_001384732.1(CPLANE1):c.1746A>G (p.Ile582Met)

Gene: CPLANE1 (ciliogenesis and planar polarity effector complex subunit 1; minus strand). Cytogenetic location: 5p13.2.
Variant type: single nucleotide variant.
Coding change: c.1746A>G on transcript NM_001384732.1 (MANE Select); coding-DNA position 1746, A replaced by G.
Protein change: p.Ile582Met; replaces isoleucine 582 with methionine.
Molecular consequence: missense variant.
Genome position (GRCh38, 1-based): chr5:37,226,849, T>C on the plus strand (A>G on the coding strand, the complement: CPLANE1 is on the minus strand). VCF-style: chr5-37226849-T-C. GRCh37 (hg19) VCF-style: chr5-37226951-T-C.
Other names: c.1746A>G, p.Ile582Met (NM_023073.4); short protein forms I582M.
Identifiers: ClinVar variation 1439653 (VCV001439653.9), dbSNP rs995624563, ClinGen allele CA117057742.